The following is an entry in ClinVar:

ClinVar aggregate classification (germline): Uncertain significance (1 of 4 stars; one submission).

Submission:

Ambry Genetics
Classification: Uncertain significance. Last evaluated: 2025-01-30. Review status: criteria provided, single submitter. Criteria: Ambry Variant Classification Scheme 2023. Collection method: clinical testing. Allele origin: germline.
Comment: The p.T543I variant (also known as c.1628C>T), located in coding exon 2 of the CDK12 gene, results from a C to T substitution at nucleotide position 1628. The threonine at codon 543 is replaced by isoleucine, an amino acid with similar properties. This amino acid position is conserved. In addition, this alteration is predicted to be tolerated by in silico analysis. Based on the available evidence, the clinical significance of this variant remains unclear.

NM_016507.4(CDK12):c.1628C>T (p.Thr543Ile)

Gene: CDK12 (cyclin dependent kinase 12; plus strand). Cytogenetic location: 17q12.
Variant type: single nucleotide variant.
Coding change: c.1628C>T on transcript NM_016507.4 (MANE Select); coding-DNA position 1628, C replaced by T.
Protein change: p.Thr543Ile; replaces threonine 543 with isoleucine.
Molecular consequence: missense variant.
Genome position (GRCh38, 1-based): chr17:39,471,460, C>T. VCF-style: chr17-39471460-C-T. GRCh37 (hg19) VCF-style: chr17-37627713-C-T.
Other names: c.1628C>T, p.Thr543Ile (NM_015083.4); short protein forms T543I.
Identifiers: ClinVar variation 3830577 (VCV003830577.1).